The following is an entry in ClinVar:

ClinVar aggregate classification (germline): Benign/Likely benign. Review status: criteria provided, multiple submitters, no conflicts (2 of 4 stars). 3 submissions from 3 submitters: Benign (1); Likely benign (2). Last evaluated 2024-09-24.

Allele frequency attached by ClinVar (database versions not stated): TOPMed 0.00015; 1000 Genomes Project 30x 0.00016; gnomAD 0.00016 and 0.00017; gnomAD exomes 0.00018 and 0.00033; 1000 Genomes Project 0.00020; ExAC 0.00036.
gnomAD v4.1: 292 of 1,614,138 alleles (0.018%); highest among the groups gnomAD compares: South Asian, 0.11%; 1 homozygote.

Submissions (3):

Blueprint Genetics
Classification: Likely benign. Last evaluated: 2024-09-24. Review status: criteria provided, single submitter. Criteria: ACMG Guidelines, 2015. Collection method: clinical testing. Allele origin: germline.

Labcorp Genetics (formerly Invitae), Labcorp
Classification: Benign. Last evaluated: 2024-04-15. Review status: criteria provided, single submitter. Criteria: Invitae Variant Classification Sherloc (09022015). Collection method: clinical testing. Allele origin: germline.

CeGaT Center for Human Genetics Tuebingen
Classification: Likely benign. Last evaluated: 2023-11-01. Review status: criteria provided, single submitter. Criteria: CeGaT Center For Human Genetics Tuebingen Variant Classification Criteria Version 2. Collection method: clinical testing. Allele origin: germline. Affected: yes. Observed: 1 variant allele.
Comment: SPTBN2: BP4, BP7

NM_006946.4(SPTBN2):c.6813C>T (p.His2271=)

Gene: SPTBN2 (spectrin beta, non-erythrocytic 2; minus strand). Cytogenetic location: 11q13.2.
Variant type: single nucleotide variant.
Coding change: c.6813C>T on transcript NM_006946.4 (MANE Select); coding-DNA position 6813, C replaced by T.
Protein change: p.His2271=; no amino-acid change (histidine 2271 retained).
Molecular consequence: synonymous variant.
Genome position (GRCh38, 1-based): chr11:66,687,077, G>A on the plus strand (C>T on the coding strand, the complement: SPTBN2 is on the minus strand). VCF-style: chr11-66687077-G-A. GRCh37 (hg19) VCF-style: chr11-66454548-G-A.
Identifiers: ClinVar variation 1615321 (VCV001615321.32), dbSNP rs545082298, ClinGen allele CA6127781.
Genomic context (GRCh38, chr11:66,687,077, plus strand): 5'-CTTTCGGTAATCAAAGGCGACGCTGCCCTGGGCCCTGGCCAGGCTGACAGGCACTTCTCC[G>A]TGGTATGGCACTCCCGCGCTGGCTGCCTTGGCATCCTTGTAAAAGCCGAGGCTCCCACGC-3'
Protein context (NP_008877.2, residues 2261-2281): AKAASAGVPY[His2271=]GEVPVSLARA